The following is an entry in ClinVar:

NM_004287.5(GOSR2):c.162G>T (p.Leu54Phe)

Genes: GOSR2 (golgi SNAP receptor complex member 2; plus strand), LRRC37A2 (leucine rich repeat containing 37 member A2), LOC126862578 (BRD4-independent group 4 enhancer GRCh37_chr17:45008344-45009543; plus strand). Cytogenetic location: 17q21.32.
Variant type: single nucleotide variant.
Coding change: c.162G>T on transcript NM_004287.5 (MANE Select); coding-DNA position 162, G replaced by T.
Protein change: p.Leu54Phe; replaces leucine 54 with phenylalanine.
Molecular consequence: missense variant. On other transcripts: non-coding transcript variant (3).
Genome position (GRCh38, 1-based): chr17:46,931,166, G>T. VCF-style: chr17-46931166-G-T. GRCh37 (hg19) VCF-style: chr17-45008532-G-T.
Other names: c.162G>T, p.Leu54Phe (NM_001012511.3, NM_001321133.2, NM_001330252.2 and 1 more transcripts); c.108G>T, p.Leu36Phe (NM_001321134.2, NM_001363851.2); c.159G>T, p.Leu53Phe (NM_001353114.2, NM_001353115.2, NM_001353116.2); short protein forms L53F, L36F, L54F.
Identifiers: ClinVar variation 2045408 (VCV002045408.4), dbSNP rs538712056, ClinGen allele CA8621176.

ClinVar aggregate classification (germline): Uncertain significance (1 of 4 stars; one submission).

Conditions:
Progressive myoclonic epilepsy. Also called: Myoclonus epilepsy; Familial progressive myoclonic epilepsy; Myoclonic Epilepsies, Progressive; Progressive myoclonus epilepsy. Identifiers: Orphanet 308, Orphanet 98261, MedGen C0751778, MONDO:0020074.

Allele frequency attached by ClinVar (database versions not stated): ExAC 0.00001.
gnomAD v4.1: 1 of 1,609,160 alleles (0.000062%); highest among the groups gnomAD compares: Middle Eastern, 0.017%; no homozygotes.

Submission:

Labcorp Genetics (formerly Invitae), Labcorp
Classification: Uncertain significance for Progressive myoclonic epilepsy. Last evaluated: 2022-06-10. Review status: criteria provided, single submitter. Criteria: Invitae Variant Classification Sherloc (09022015). Collection method: clinical testing. Allele origin: germline.
Comment: In summary, the available evidence is currently insufficient to determine the role of this variant in disease. Therefore, it has been classified as a Variant of Uncertain Significance. Algorithms developed to predict the effect of missense changes on protein structure and function (SIFT, PolyPhen-2, Align-GVGD) all suggest that this variant is likely to be tolerated. This variant has not been reported in the literature in individuals affected with GOSR2-related conditions. This variant is present in population databases (rs538712056, gnomAD no frequency). This sequence change replaces leucine, which is neutral and non-polar, with phenylalanine, which is neutral and non-polar, at codon 54 of the GOSR2 protein (p.Leu54Phe).